The following is an entry in ClinVar:

ClinVar aggregate classification (germline): Likely benign (0 of 4 stars; one submission).

Conditions:
CDH15-related disorder. Also called: CDH15-related condition.

Allele frequency attached by ClinVar (database versions not stated): TOPMed 0.00004; ExAC 0.00005; gnomAD 0.00005; gnomAD exomes 0.00007; ESP Exome Variant Server 0.00015.
gnomAD v4.1: 109 of 1,591,000 alleles (0.0069%); highest among the groups gnomAD compares: Non-Finnish European, 0.0091%; no homozygotes.

Submission:

PreventionGenetics, part of Exact Sciences
Classification: Likely benign for CDH15-related condition. Last evaluated: 2019-07-11. Review status: no assertion criteria provided. Collection method: clinical testing. Allele origin: germline.
Comment: This variant is classified as likely benign based on ACMG/AMP sequence variant interpretation guidelines (Richards et al. 2015 PMID: 25741868, with internal and published modifications).

NM_004933.3(CDH15):c.2436G>A (p.Arg812=)

Gene: CDH15 (cadherin 15; plus strand). Cytogenetic location: 16q24.3.
Variant type: single nucleotide variant.
Coding change: c.2436G>A on transcript NM_004933.3 (MANE Select); coding-DNA position 2436, G replaced by A.
Protein change: p.Arg812=; no amino-acid change (arginine 812 retained).
Molecular consequence: synonymous variant.
Genome position (GRCh38, 1-based): chr16:89,195,146, G>A. VCF-style: chr16-89195146-G-A. GRCh37 (hg19) VCF-style: chr16-89261554-G-A.
Identifiers: ClinVar variation 3049285 (VCV003049285.2), dbSNP rs370773746, ClinGen allele CA8239678.